The following is an entry in ClinVar:

ClinVar aggregate classification (germline): Uncertain significance. Review status: criteria provided, multiple submitters, no conflicts (2 of 4 stars). 3 submissions from 3 submitters: Uncertain significance (3). Last evaluated 2024-04-16.

Conditions:
Hereditary cancer-predisposing syndrome. Also called: Neoplastic Syndromes, Hereditary; Hereditary Cancer Syndrome; Tumor predisposition; Hereditary neoplastic syndrome. Identifiers: Orphanet 140162, MedGen C0027672, MeSH D009386, MONDO:0015356.
Cardiovascular phenotype. Identifiers: MedGen CN230736.
Neurofibromatosis, type 1 (NF1). Also called: NEUROFIBROMATOSIS, TYPE I, SOMATIC; Peripheral type neurofibromatosis; Neurofibromatosis, type I; VON RECKLINGHAUSEN DISEASE. Identifiers: Orphanet 636, MedGen C0027831, MONDO:0018975, OMIM 162200. Disease mechanism: loss of function.

Allele frequency attached by ClinVar (database versions not stated): gnomAD exomes below 0.00001.
gnomAD v4.1: 1 of 1,611,324 alleles (0.000062%); highest among the groups gnomAD compares: Non-Finnish European, 0.000085%; no homozygotes.

Submissions (3):

Labcorp Genetics (formerly Invitae), Labcorp
Classification: Uncertain significance for Neurofibromatosis, type 1. Last evaluated: 2024-04-16. Review status: criteria provided, single submitter. Criteria: Invitae Variant Classification Sherloc (09022015). Collection method: clinical testing. Allele origin: germline.
Comment: This sequence change replaces valine, which is neutral and non-polar, with methionine, which is neutral and non-polar, at codon 409 of the NF1 protein (p.Val409Met). This variant is not present in population databases (gnomAD no frequency). This variant has not been reported in the literature in individuals affected with NF1-related conditions. ClinVar contains an entry for this variant (Variation ID: 1317230). Advanced modeling of protein sequence and biophysical properties (such as structural, functional, and spatial information, amino acid conservation, physicochemical variation, residue mobility, and thermodynamic stability) performed at Invitae indicates that this missense variant is expected to disrupt NF1 protein function with a positive predictive value of 95%. In summary, the available evidence is currently insufficient to determine the role of this variant in disease. Therefore, it has been classified as a Variant of Uncertain Significance.

Ambry Genetics
Classification: Uncertain significance for Cardiovascular phenotype; Hereditary cancer-predisposing syndrome. Last evaluated: 2020-10-05. Review status: criteria provided, single submitter. Criteria: Ambry Variant Classification Scheme 2023. Collection method: clinical testing. Allele origin: germline.
Comment: The p.V409M variant (also known as c.1225G>A), located in coding exon 11 of the NF1 gene, results from a G to A substitution at nucleotide position 1225. The valine at codon 409 is replaced by methionine, an amino acid with highly similar properties. This amino acid position is highly conserved in available vertebrate species. In addition, this alteration is predicted to be deleterious by in silico analysis. Since supporting evidence is limited at this time, the clinical significance of this alteration remains unclear.

GeneDx
Classification: Uncertain significance. Last evaluated: 2019-12-20. Review status: criteria provided, single submitter. Criteria: GeneDx Variant Classification Process June 2021. Collection method: clinical testing. Allele origin: germline. Affected: yes.
Comment: Not observed in large population cohorts (Lek 2016); In silico analysis, which includes protein predictors and evolutionary conservation, supports a deleterious effect; Has not been previously published as pathogenic or benign to our knowledge

NM_001042492.3(NF1):c.1225G>A (p.Val409Met)

Gene: NF1 (neurofibromin 1; plus strand). Cytogenetic location: 17q11.2.
Variant type: single nucleotide variant.
Coding change: c.1225G>A on transcript NM_001042492.3 (MANE Select); coding-DNA position 1225, G replaced by A.
Protein change: p.Val409Met; replaces valine 409 with methionine.
Molecular consequence: missense variant.
Genome position (GRCh38, 1-based): chr17:31,201,450, G>A. VCF-style: chr17-31201450-G-A. GRCh37 (hg19) VCF-style: chr17-29528468-G-A.
Other names: c.1225G>A, p.Val409Met (NM_000267.4, NM_001128147.3); short protein forms V409M.
Identifiers: ClinVar variation 1317230 (VCV001317230.8), dbSNP rs2143886228, ClinGen allele CA398997611.
Genomic context (GRCh38, chr17:31,201,450, plus strand): 5'-TTTTTTTTTCTTTTTCTATAGATCTGCCTGGCTCAGAATTCACCTTCTACATTTCACTAT[G>A]TGCTGGTAAATTCACTCCATCGAATCATCACCAATGTAAGTCCAAAAGGTATTGCTAAAT-3'
Protein context (NP_001035957.1, residues 399-419): AQNSPSTFHY[Val409Met]LVNSLHRIIT